The following is an entry in ClinVar:

NM_001042545.2(LTBP4):c.3528G>A (p.Ala1176=)

Gene: LTBP4 (latent transforming growth factor beta binding protein 4; plus strand). Cytogenetic location: 19q13.2.
Variant type: single nucleotide variant.
Coding change: c.3528G>A on transcript NM_001042545.2 (MANE Select); coding-DNA position 3528, G replaced by A.
Protein change: p.Ala1176=; no amino-acid change (alanine 1176 retained).
Molecular consequence: synonymous variant.
Genome position (GRCh38, 1-based): chr19:40,622,993, G>A. VCF-style: chr19-40622993-G-A. GRCh37 (hg19) VCF-style: chr19-41128898-G-A.
Other names: c.3729G>A, p.Ala1243= (NM_001042544.1); c.3618G>A, p.Ala1206= (NM_003573.2).
Identifiers: ClinVar variation 1554256 (VCV001554256.32), dbSNP rs748266597, ClinGen allele CA9449039.
Genomic context (GRCh38, chr19:40,622,993, plus strand): 5'-CTTGTCTCTGTGTGTAGCTGAGTACCAGTCATTGTGCCCTCACGGCCGGGGCTACCTGGC[G>A]CCCAGTGGAGACCTGAGCCTCCGGAGAGGTGAGGCCAGCCTTTGACCCTCCACCCCACTC-3'
Protein context (NP_001036010.1, residues 1166-1186): SLCPHGRGYL[Ala1176=]PSGDLSLRRD

ClinVar aggregate classification (germline): Likely benign. Review status: criteria provided, multiple submitters, no conflicts (2 of 4 stars). 3 submissions from 3 submitters: Likely benign (3). Last evaluated 2026-01-21.

Allele frequency attached by ClinVar (database versions not stated): gnomAD 0.00002; gnomAD exomes 0.00002 and 0.00004; TOPMed 0.00003; ExAC 0.00007.
gnomAD v4.1: 29 of 1,612,548 alleles (0.0018%); highest among the groups gnomAD compares: African/African-American, 0.004%; no homozygotes.

Submissions (3):

Labcorp Genetics (formerly Invitae), Labcorp
Classification: Likely benign. Last evaluated: 2026-01-21. Review status: criteria provided, single submitter. Criteria: Invitae Variant Classification Sherloc (09022015). Collection method: clinical testing. Allele origin: germline.

CeGaT Center for Human Genetics Tuebingen
Classification: Likely benign. Last evaluated: 2023-07-01. Review status: criteria provided, single submitter. Criteria: CeGaT Center For Human Genetics Tuebingen Variant Classification Criteria Version 2. Collection method: clinical testing. Allele origin: germline. Affected: yes. Observed: 1 variant allele.
Comment: LTBP4: BP4, BP7

Blueprint Genetics
Classification: Likely benign. Last evaluated: 2021-07-27. Review status: criteria provided, single submitter. Criteria: ACMG Guidelines, 2015. Collection method: clinical testing. Allele origin: germline.